The following is an entry in ClinVar:

NM_000132.4(F8):c.461C>T (p.Thr154Ile)

Gene: F8 (coagulation factor VIII; minus strand). Cytogenetic location: Xq28.
Variant type: single nucleotide variant.
Coding change: c.461C>T on transcript NM_000132.4 (MANE Select); coding-DNA position 461, C replaced by T.
Protein change: p.Thr154Ile; replaces threonine 154 with isoleucine.
Molecular consequence: missense variant.
Genome position (GRCh38, 1-based): chrX:154,993,076, G>A on the plus strand (C>T on the coding strand, the complement: F8 is on the minus strand). VCF-style: chrX-154993076-G-A. GRCh37 (hg19) VCF-style: chrX-154221351-G-A.
Other names: short protein forms T154I.
Identifiers: ClinVar variation 930596 (VCV000930596.3), dbSNP rs2073597378, ClinGen allele CA414919668.
Genomic context (GRCh38, chrX:154,993,076, plus strand): 5'-GTAAGGCACAGTGGGTCAGAGGCCATTGGACCATTCTCTTTCAGGACCTGCCAGACATAT[G>A]TATGGCTTCCACCAGGGAAGACTTTATCATCTTCTTTCTCCCTTTGACTGGTCTGATCAT-3'
Protein context (NP_000123.1, residues 144-164): DDKVFPGGSH[Thr154Ile]YVWQVLKENG

ClinVar aggregate classification (germline): Uncertain significance (1 of 4 stars; one submission).

Conditions:
Hereditary factor VIII deficiency disease (HEMA). Also called: AUTOSOMAL HEMOPHILIA A; Hemophilia A, congenital; HEM A; Factor 8 deficiency, congenital; HEMOPHILIA, CLASSIC; Hemophilia A. Identifiers: Orphanet 98878, MedGen C0019069, MONDO:0010602, OMIM 306700.

Allele frequency attached by ClinVar (database versions not stated): gnomAD exomes below 0.00001.
gnomAD v4.1: 1 of 1,211,715 alleles (0.000083%); highest among the groups gnomAD compares: Non-Finnish European, 0.00011%; no homozygotes.

Submission:

Centre for Mendelian Genomics, University Medical Centre Ljubljana
Classification: Uncertain significance for Hereditary factor VIII deficiency disease. Last evaluated: 2020-01-29. Review status: criteria provided, single submitter. Criteria: ACMG Guidelines, 2015. Collection method: clinical testing. Allele origin: unknown. Affected: yes.
Comment: This variant was classified as: Uncertain significance. The available evidence on this variant's pathogenicity is insufficient or conflicting. The following ACMG criteria were applied in classifying this variant: PM2,PP3. This variant was detected in hemizygous state.